The following is an entry in ClinVar:

ClinVar aggregate classification (germline): Uncertain significance (1 of 4 stars; one submission).

Conditions:
CACNA1I-related disorder. Also called: CACNA1I-related condition.

Submission:

PreventionGenetics, part of Exact Sciences
Classification: Uncertain significance for CACNA1I-related condition. Last evaluated: 2024-11-27. Review status: criteria provided, single submitter. Criteria: ACMG Guidelines, 2015. Collection method: clinical testing. Allele origin: germline.
Comment: The CACNA1I c.827G>C variant is predicted to result in the amino acid substitution p.Gly276Ala. To our knowledge, this variant has not been reported in the literature or in a large population database (gnomAD), indicating this variant is rare. At this time, the clinical significance of this variant is uncertain due to the absence of conclusive functional and genetic evidence.

NM_021096.4(CACNA1I):c.827G>C (p.Gly276Ala)

Gene: CACNA1I (calcium voltage-gated channel subunit alpha1 I; plus strand). Cytogenetic location: 22q13.1.
Variant type: single nucleotide variant.
Coding change: c.827G>C on transcript NM_021096.4 (MANE Select); coding-DNA position 827, G replaced by C.
Protein change: p.Gly276Ala; replaces glycine 276 with alanine.
Molecular consequence: missense variant.
Genome position (GRCh38, 1-based): chr22:39,640,953, G>C. VCF-style: chr22-39640953-G-C. GRCh37 (hg19) VCF-style: chr22-40036958-G-C.
Other names: c.827G>C, p.Gly276Ala (NM_001003406.2); short protein forms G276A.
Identifiers: ClinVar variation 4998980 (VCV004998980.1).
Genomic context (GRCh38, chr22:39,640,953, plus strand): 5'-ACTACCAGCCGGAGGAGGATGATGAGATGCCCTTCATCTGCTCCCTGTCGGGCGACAATG[G>C]GATAATGGGCTGCCATGAGATCCCCCCGCTCAAGGAGCAGGGCCGTGAGTGCTGCCTGTC-3'
Protein context (NP_066919.2, residues 266-286): PFICSLSGDN[Gly276Ala]IMGCHEIPPL